The following is an entry in ClinVar:

ClinVar aggregate classification (germline): Pathogenic (1 of 4 stars; one submission).

Submission:

Labcorp Genetics (formerly Invitae), Labcorp
Classification: Pathogenic. Last evaluated: 2023-02-16. Review status: criteria provided, single submitter. Criteria: Invitae Variant Classification Sherloc (09022015). Collection method: clinical testing. Allele origin: germline.
Comment: This sequence change creates a premature translational stop signal (p.Gln147*) in the COL4A2 gene. It is expected to result in an absent or disrupted protein product. Loss-of-function variants in COL4A2 are known to be pathogenic (PMID: 22333902, 30315939). This variant is not present in population databases (gnomAD no frequency). This variant has not been reported in the literature in individuals affected with COL4A2-related conditions. For these reasons, this variant has been classified as Pathogenic.

Literature cited by the submitters: PubMed 22333902; PubMed 30315939.

NM_001846.4(COL4A2):c.439C>T (p.Gln147Ter)

Gene: COL4A2 (collagen type IV alpha 2 chain; plus strand). Cytogenetic location: 13q34.
Variant type: single nucleotide variant.
Coding change: c.439C>T on transcript NM_001846.4 (MANE Select); coding-DNA position 439, C replaced by T.
Protein change: p.Gln147Ter; replaces glutamine 147 with a stop codon.
Molecular consequence: nonsense.
Genome position (GRCh38, 1-based): chr13:110,428,545, C>T. VCF-style: chr13-110428545-C-T. GRCh37 (hg19) VCF-style: chr13-111080892-C-T.
Other names: short protein forms Q147*.
Identifiers: ClinVar variation 2837937 (VCV002837937.3), dbSNP rs2502056630, ClinGen allele CA388729153.
Genomic context (GRCh38, chr13:110,428,545, plus strand): 5'-GGGCCCAGGGGAAGGCCGGGCTACGATGGCTGCAACGGAACCCAGGGAGACTCAGGTCCA[C>T]AGGGGCCCCCCGGCTCTGAGGGGTTCACCGGGCCTCCCGTGAGTATCCCCACAGCGCCTG-3'